The following is an entry in ClinVar:

NM_004655.4(AXIN2):c.1350T>C (p.Pro450=)

Gene: AXIN2 (axin 2; minus strand). Cytogenetic location: 17q24.1.
Variant type: single nucleotide variant.
Coding change: c.1350T>C on transcript NM_004655.4 (MANE Select); coding-DNA position 1350, T replaced by C.
Protein change: p.Pro450=; no amino-acid change (proline 450 retained).
Molecular consequence: synonymous variant.
Genome position (GRCh38, 1-based): chr17:65,537,686, A>G on the plus strand (T>C on the coding strand, the complement: AXIN2 is on the minus strand). VCF-style: chr17-65537686-A-G. GRCh37 (hg19) VCF-style: chr17-63533804-A-G.
Other names: c.1350T>C, p.Pro450= (NM_001363813.1).
Identifiers: ClinVar variation 3379124 (VCV003379124.1).

ClinVar aggregate classification (germline): Benign (1 of 4 stars; one submission).

Conditions:
Oligodontia-cancer predisposition syndrome. Also called: TOOTH AGENESIS-COLORECTAL CANCER SYNDROME. Identifiers: Orphanet 300576, MedGen C1837750, MONDO:0012075, OMIM 608615. Disease mechanism: loss of function.

Submission:

Myriad Genetics, Inc.
Classification: Benign for Oligodontia-cancer predisposition syndrome. Last evaluated: 2024-07-02. Review status: criteria provided, single submitter. Criteria: Myriad Autosomal Dominant, Autosomal Recessive and X-Linked Classification Criteria (2023). Collection method: clinical testing. Allele origin: unknown.
Comment: This variant is considered benign. This variant is a silent/synonymous amino acid change and it is not expected to impact splicing.